The following is an entry in ClinVar:

ClinVar aggregate classification (germline): Uncertain significance. Review status: criteria provided, multiple submitters, no conflicts (2 of 4 stars). 2 submissions from 2 submitters: Uncertain significance (2). Last evaluated 2024-08-19.

Conditions:
3-methylglutaconic aciduria, type VIIB (MGCA7B). Also called: 3-methylglutaconic aciduria with cataracts, neurologic involvement and neutropenia; CLPB Deficiency; 3-methylglutaconic aciduria, type VII, with cataracts, neurologic involvement and neutropenia. Identifiers: Orphanet 445038, MedGen C5676893, MONDO:0014561, OMIM 616271.

Submissions (2):

Blueprint Genetics
Classification: Uncertain significance. Last evaluated: 2024-08-19. Review status: criteria provided, single submitter. Criteria: ACMG Guidelines, 2015. Collection method: clinical testing. Allele origin: germline.

Labcorp Genetics (formerly Invitae), Labcorp
Classification: Uncertain significance for 3-methylglutaconic aciduria, type VIIB. Last evaluated: 2022-07-15. Review status: criteria provided, single submitter. Criteria: Invitae Variant Classification Sherloc (09022015). Collection method: clinical testing. Allele origin: germline.
Comment: In summary, the available evidence is currently insufficient to determine the role of this variant in disease. Therefore, it has been classified as a Variant of Uncertain Significance. Algorithms developed to predict the effect of missense changes on protein structure and function (SIFT, PolyPhen-2, Align-GVGD) all suggest that this variant is likely to be disruptive. This variant has not been reported in the literature in individuals affected with CLPB-related conditions. This variant is not present in population databases (gnomAD no frequency). This sequence change replaces arginine, which is basic and polar, with lysine, which is basic and polar, at codon 555 of the CLPB protein (p.Arg555Lys).

NM_001258392.3(CLPB):c.1574G>A (p.Arg525Lys)

Gene: CLPB (ClpB family mitochondrial disaggregase; minus strand). Cytogenetic location: 11q13.4.
Variant type: single nucleotide variant.
Coding change: c.1574G>A on transcript NM_001258392.3 (MANE Select); coding-DNA position 1574, G replaced by A.
Protein change: p.Arg525Lys; replaces arginine 525 with lysine.
Molecular consequence: missense variant.
Genome position (GRCh38, 1-based): chr11:72,294,431, C>T on the plus strand (G>A on the coding strand, the complement: CLPB is on the minus strand). VCF-style: chr11-72294431-C-T. GRCh37 (hg19) VCF-style: chr11-72005475-C-T.
Other names: c.1487G>A, p.Arg496Lys (NM_001258393.3); c.1529G>A, p.Arg510Lys (NM_001258394.3); c.1664G>A, p.Arg555Lys (NM_030813.6); short protein forms R496K, R510K, R525K, R555K.
Identifiers: ClinVar variation 1715146 (VCV001715146.7), dbSNP rs2539318423, ClinGen allele CA381726653.